The following is an entry in ClinVar:

NM_001379500.1(COL18A1):c.993C>A (p.Gly331=)

Gene: COL18A1 (collagen type XVIII alpha 1 chain; plus strand). Cytogenetic location: 21q22.3.
Variant type: single nucleotide variant.
Coding change: c.993C>A on transcript NM_001379500.1 (MANE Select); coding-DNA position 993, C replaced by A.
Protein change: p.Gly331=; no amino-acid change (glycine 331 retained).
Molecular consequence: synonymous variant.
Genome position (GRCh38, 1-based): chr21:45,477,475, C>A. VCF-style: chr21-45477475-C-A. GRCh37 (hg19) VCF-style: chr21-46897389-C-A.
Other names: NM_130445.3:c.993C>A; c.1533C>A, p.Gly511= (NM_030582.4); c.2238C>A, p.Gly746= (NM_130444.3); c.1533C>A (NM_030582.3).
Identifiers: ClinVar variation 721063 (VCV000721063.12), dbSNP rs753277344, ClinGen allele CA10066039.

ClinVar aggregate classification (germline): Likely benign. Review status: criteria provided, multiple submitters, no conflicts (2 of 4 stars). 4 submissions from 4 submitters: Likely benign (4). Last evaluated 2026-07-01.

Conditions:
COL18A1-related disorder. Also called: COL18A1-related disorders; COL18A1-related condition.

Allele frequency attached by ClinVar (database versions not stated): ExAC 0.00002; gnomAD exomes 0.00002 and 0.00004; gnomAD 0.00003 and 0.00004; TOPMed 0.00006.
gnomAD v4.1: 36 of 1,610,648 alleles (0.0022%); highest among the groups gnomAD compares: Admixed American, 0.017%; no homozygotes.

Submissions (4):

CeGaT Center for Human Genetics Tuebingen
Classification: Likely benign. Last evaluated: 2026-07-01. Review status: criteria provided, single submitter. Criteria: CeGaT Center For Human Genetics Tuebingen Variant Classification Criteria Version 2. Collection method: clinical testing. Allele origin: germline. Affected: yes. Observed: 2 variant alleles.
Comment: COL18A1: BP4, BP7

Labcorp Genetics (formerly Invitae), Labcorp
Classification: Likely benign. Last evaluated: 2026-01-27. Review status: criteria provided, single submitter. Criteria: Invitae Variant Classification Sherloc (09022015). Collection method: clinical testing. Allele origin: germline.

PreventionGenetics, part of Exact Sciences
Classification: Likely benign for COL18A1-related condition. Last evaluated: 2025-11-20. Review status: criteria provided, single submitter. Criteria: ACMG Guidelines, 2015. Collection method: clinical testing. Allele origin: germline.
Comment: This variant is classified as likely benign based on ACMG/AMP sequence variant interpretation guidelines (Richards et al. 2015 PMID: 25741868, with internal and published modifications).

Blueprint Genetics
Classification: Likely benign. Last evaluated: 2023-09-19. Review status: criteria provided, single submitter. Criteria: ACMG Guidelines, 2015. Collection method: clinical testing. Allele origin: germline.